The following is an entry in ClinVar:

ClinVar aggregate classification (germline): Uncertain significance (1 of 4 stars; one submission).

Conditions:
Myasthenic syndrome, congenital, 22 (CMS22). Also called: PREPL DEFICIENCY. Identifiers: MedGen C4479088, MONDO:0044299, OMIM 616224.

Allele frequency attached by ClinVar (database versions not stated): gnomAD exomes below 0.00001 and 0.00001; TOPMed below 0.00001.
gnomAD v4.1: 10 of 1,614,150 alleles (0.00062%); highest among the groups gnomAD compares: Non-Finnish European, 0.00076%; no homozygotes.

Submission:

Labcorp Genetics (formerly Invitae), Labcorp
Classification: Uncertain significance for Myasthenic syndrome, congenital, 22. Last evaluated: 2022-09-27. Review status: criteria provided, single submitter. Criteria: Invitae Variant Classification Sherloc (09022015). Collection method: clinical testing. Allele origin: germline.
Comment: Advanced modeling of protein sequence and biophysical properties (such as structural, functional, and spatial information, amino acid conservation, physicochemical variation, residue mobility, and thermodynamic stability) performed at Invitae indicates that this missense variant is not expected to disrupt PREPL protein function. In summary, the available evidence is currently insufficient to determine the role of this variant in disease. Therefore, it has been classified as a Variant of Uncertain Significance. ClinVar contains an entry for this variant (Variation ID: 1511114). This variant has not been reported in the literature in individuals affected with PREPL-related conditions. This variant is present in population databases (no rsID available, gnomAD 0.0009%). This sequence change replaces isoleucine, which is neutral and non-polar, with threonine, which is neutral and polar, at codon 292 of the PREPL protein (p.Ile292Thr).

NM_001171613.2(PREPL):c.608T>C (p.Ile203Thr)

Gene: PREPL (prolyl endopeptidase like; minus strand). Cytogenetic location: 2p21.
Variant type: single nucleotide variant.
Coding change: c.608T>C on transcript NM_001171613.2 (MANE Select); coding-DNA position 608, T replaced by C.
Protein change: p.Ile203Thr; replaces isoleucine 203 with threonine.
Molecular consequence: missense variant.
Genome position (GRCh38, 1-based): chr2:44,339,241, A>G on the plus strand (T>C on the coding strand, the complement: PREPL is on the minus strand). VCF-style: chr2-44339241-A-G. GRCh37 (hg19) VCF-style: chr2-44566380-A-G.
Other names: c.875T>C, p.Ile292Thr (NM_001042385.2, NM_001042386.2, NM_001171603.1 and 4 more transcripts); c.608T>C, p.Ile203Thr (NM_001171617.1, NM_001374277.1); short protein forms I203T, I292T.
Identifiers: ClinVar variation 1511114 (VCV001511114.8), dbSNP rs947027506, ClinGen allele CA46547448.